The following is an entry in ClinVar:

NM_001366521.1(ATP2B1):c.2068-10T>C

Gene: ATP2B1 (ATPase plasma membrane Ca2+ transporting 1; minus strand). Cytogenetic location: 12q21.33.
Variant type: single nucleotide variant.
Coding change: c.2068-10T>C on transcript NM_001366521.1 (MANE Select); 10 bases into the intron before coding-DNA position 2068, T replaced by C.
Molecular consequence: intron variant.
Genome position (GRCh38, 1-based): chr12:89,611,382, A>G on the plus strand (T>C on the coding strand, the complement: ATP2B1 is on the minus strand). VCF-style: chr12-89611382-A-G. GRCh37 (hg19) VCF-style: chr12-90005159-A-G.
Other names: c.1870-10T>C (NM_001413053.1, NM_001366530.1); c.1507-10T>C (NM_001413060.1, NM_001366531.1, NM_001413058.1 and 2 more transcripts); c.1813-10T>C (NM_001413056.1); c.1927-10T>C (NM_001413051.1, NM_001413055.1, NM_001413052.1); c.2029-10T>C (NM_001413048.1); c.1825-10T>C (NM_001413054.1); c.2068-10T>C (NM_001413050.1, NM_001366529.1, NM_001366528.1 and 12 more transcripts); c.1615-10T>C (NM_001413057.1).
Identifiers: ClinVar variation 4984655 (VCV004984655.1).

ClinVar aggregate classification (germline): Likely benign (1 of 4 stars; one submission).

Conditions:
ATP2B1-related disorder. Also called: ATP2B1-related condition.

gnomAD v4.1: 8 of 1,496,604 alleles (0.00053%); highest among the groups gnomAD compares: African/African-American, 0.0086%; no homozygotes.

Submission:

PreventionGenetics, part of Exact Sciences
Classification: Likely benign for ATP2B1-related condition. Last evaluated: 2025-10-30. Review status: criteria provided, single submitter. Criteria: ACMG Guidelines, 2015. Collection method: clinical testing. Allele origin: germline.
Comment: This variant is classified as likely benign based on ACMG/AMP sequence variant interpretation guidelines (Richards et al. 2015 PMID: 25741868, with internal and published modifications).